The following is an entry in ClinVar:

ClinVar aggregate classification (germline): Uncertain significance (1 of 4 stars; one submission).

Conditions:
Inborn genetic diseases. Identifiers: MedGen C0950123, MeSH D030342.

gnomAD v4.1: 2 of 1,612,660 alleles (0.00012%); highest among the groups gnomAD compares: Non-Finnish European, 0.00017%; no homozygotes.

Submission:

Ambry Genetics
Classification: Uncertain significance for Inborn genetic diseases. Last evaluated: 2024-12-23. Review status: criteria provided, single submitter. Criteria: Ambry Variant Classification Scheme 2023. Collection method: clinical testing. Allele origin: germline.
Comment: The p.A913T variant (also known as c.2737G>A), located in coding exon 28 of the RTEL1 gene, results from a G to A substitution at nucleotide position 2737. The alanine at codon 913 is replaced by threonine, an amino acid with similar properties. This amino acid position is conserved. In addition, this alteration is predicted to be tolerated by in silico analysis. Based on the available evidence, the clinical significance of this variant remains unclear.

NM_001283009.2(RTEL1):c.2737G>A (p.Ala913Thr)

Genes: RTEL1 (regulator of telomere elongation helicase 1; plus strand), RTEL1-TNFRSF6B (RTEL1-TNFRSF6B readthrough (NMD candidate); plus strand). Cytogenetic location: 20q13.33.
Variant type: single nucleotide variant.
Coding change: c.2737G>A on transcript NM_001283009.2 (MANE Select); coding-DNA position 2737, G replaced by A.
Protein change: p.Ala913Thr; replaces alanine 913 with threonine.
Molecular consequence: missense variant. On other transcripts: non-coding transcript variant (1).
Genome position (GRCh38, 1-based): chr20:63,692,889, G>A. VCF-style: chr20-63692889-G-A. GRCh37 (hg19) VCF-style: chr20-62324242-G-A.
Other names: c.2068G>A, p.Ala690Thr (NM_001283010.1); c.2737G>A, p.Ala913Thr (NM_016434.4); c.2809G>A, p.Ala937Thr (NM_032957.5); short protein forms A690T, A913T, A937T.
Identifiers: ClinVar variation 3791002 (VCV003791002.1).